The following is an entry in ClinVar:

NM_000465.4(BARD1):c.364+2dup

Gene: BARD1 (BRCA1 associated RING domain 1; minus strand). Cytogenetic location: 2q35.
Variant type: Duplication.
Coding change: c.364+2dup on transcript NM_000465.4 (MANE Select); the canonical splice donor site of the intron after coding-DNA position 364, one base duplicated (T; older notation c.364+2dupT).
Molecular consequence: splice donor variant. On other transcripts: intron variant (2).
Genome position (GRCh38, 1-based): chr2:214,792,295, A duplicated on the plus strand (T on the coding strand, the reverse complement: BARD1 is on the minus strand). VCF-style (leftmost placement, unchanged base first): chr2-214792294-T-TA. GRCh37 (hg19) VCF-style: chr2-215657018-T-TA.
Other names: c.158+17117dup (NM_001282548.2); c.307+2dup (NM_001282543.2); c.215+4766dup (NM_001282545.2); c.364+2dup (NM_001282549.2).
Identifiers: ClinVar variation 1493491 (VCV001493491.7), dbSNP rs2106134405, ClinGen allele CA2573135119.

ClinVar aggregate classification (germline): Uncertain significance (1 of 4 stars; one submission).

Conditions:
Familial cancer of breast. Also called: BREAST CANCER, FAMILIAL; Hereditary breast cancer; hereditary breast carcinoma. Identifiers: Orphanet 227535, MedGen C0346153, MONDO:0016419, OMIM 114480. Disease mechanism: loss of function.

Submission:

Labcorp Genetics (formerly Invitae), Labcorp
Classification: Uncertain significance for Familial cancer of breast. Last evaluated: 2021-07-27. Review status: criteria provided, single submitter. Criteria: Invitae Variant Classification Sherloc (09022015). Collection method: clinical testing. Allele origin: germline.
Comment: In summary, the available evidence is currently insufficient to determine the role of this variant in disease. Therefore, it has been classified as a Variant of Uncertain Significance. Nucleotide substitutions within the consensus splice site are a relatively common cause of aberrant splicing (PMID: 17576681, 9536098). Algorithms developed to predict the effect of sequence changes on RNA splicing suggest that this variant may disrupt the consensus splice site. This variant has not been reported in the literature in individuals affected with BARD1-related conditions. This variant is not present in population databases (ExAC no frequency). This sequence change falls in intron 3 of the BARD1 gene. It does not directly change the encoded amino acid sequence of the BARD1 protein. It affects a nucleotide within the consensus splice site of the intron.

Literature cited by the submitters: PubMed 17576681; PubMed 9536098.